The following is an entry in ClinVar:

NM_001139500.2(FGF13):c.137C>T (p.Ser46Phe)

Gene: FGF13 (fibroblast growth factor 13; minus strand). Cytogenetic location: Xq26.3.
Variant type: single nucleotide variant.
Coding change: c.137C>T on transcript NM_001139500.2; coding-DNA position 137, C replaced by T.
Protein change: p.Ser46Phe; replaces serine 46 with phenylalanine.
Molecular consequence: missense variant. On other transcripts: intron variant (1).
Genome position (GRCh38, 1-based): chrX:138,857,592, G>A on the plus strand (C>T on the coding strand, the complement: FGF13 is on the minus strand). VCF-style: chrX-138857592-G-A. GRCh37 (hg19) VCF-style: chrX-137939754-G-A.
Other names: c.137C>T (NM_001139500.1); c.50C>T, p.Ser17Phe (NM_001139501.2, NM_001139502.2); c.50-148664C>T (NM_001139498.2); short protein forms S17F, S46F.
Identifiers: ClinVar variation 2441792 (VCV002441792.2), dbSNP rs756270099, ClinGen allele CA10529596.

ClinVar aggregate classification (germline): Uncertain significance. Review status: criteria provided, single submitter (1 of 4 stars). 2 submissions from 2 submitters: Uncertain significance (1). 1 of the submissions does not count toward it. Last evaluated 2022-10-29.

Conditions:
FGF13-related disorder. Also called: FGF13-related condition.
Developmental and epileptic encephalopathy, 90. Identifiers: MedGen C5542345, MONDO:0025353, OMIM 301058.

Allele frequency attached by ClinVar (database versions not stated): ExAC 0.00002; gnomAD exomes 0.00001.
gnomAD v4.1: 7 of 1,207,314 alleles (0.00058%); highest among the groups gnomAD compares: Non-Finnish European, 0.00078%; no homozygotes.

Submissions (2):

Baylor Genetics
Classification: Uncertain significance for Developmental and epileptic encephalopathy, 90. Last evaluated: 2022-10-29. Review status: criteria provided, single submitter. Criteria: ACMG Guidelines, 2015. Collection method: clinical testing. Allele origin: unknown.

PreventionGenetics, part of Exact Sciences
Classification: Uncertain significance for FGF13-related condition. Last evaluated: 2024-09-09. Review status: no assertion criteria provided. Collection method: clinical testing. Allele origin: germline. Not counted in ClinVar's aggregate classification.
Comment: The FGF13 c.137C>T variant is predicted to result in the amino acid substitution p.Ser46Phe. To our knowledge, this variant has not been reported in the literature. This variant is reported in 0.0025% of alleles in individuals of European (Non-Finnish) descent in gnomAD. At this time, the clinical significance of this variant is uncertain due to the absence of conclusive functional and genetic evidence.